The following is an entry in ClinVar:

NM_022370.4(ROBO3):c.1194G>A (p.Thr398=)

Gene: ROBO3 (roundabout guidance receptor 3; plus strand). Cytogenetic location: 11q24.2.
Variant type: single nucleotide variant.
Coding change: c.1194G>A on transcript NM_022370.4 (MANE Select); coding-DNA position 1194, G replaced by A.
Protein change: p.Thr398=; no amino-acid change (threonine 398 retained).
Molecular consequence: synonymous variant.
Genome position (GRCh38, 1-based): chr11:124,872,416, G>A. VCF-style: chr11-124872416-G-A. GRCh37 (hg19) VCF-style: chr11-124742312-G-A.
Identifiers: ClinVar variation 747318 (VCV000747318.9), dbSNP rs369032140, ClinGen allele CA6343435.

ClinVar aggregate classification (germline): Conflicting classifications of pathogenicity. Review status: criteria provided, conflicting classifications (1 of 4 stars). 3 submissions from 3 submitters: Uncertain significance (1); Likely benign (1). 1 of the submissions does not count toward it. Last evaluated 2018-03-29.

Conditions:
ROBO3-related disorder. Also called: ROBO3-related condition.
Gaze palsy, familial horizontal, with progressive scoliosis 1 (HGPPS1). Identifiers: Orphanet 2744, MedGen C4551964, MONDO:0020790, OMIM 607313.

Allele frequency attached by ClinVar (database versions not stated): gnomAD exomes 0.00004 and 0.00010; ExAC 0.00007; TOPMed 0.00031; gnomAD 0.00035 and 0.00038; ESP Exome Variant Server 0.00048.
gnomAD v4.1: 127 of 1,613,916 alleles (0.0079%); highest among the groups gnomAD compares: African/African-American, 0.12%; 1 homozygote.

Submissions (3):

Labcorp Genetics (formerly Invitae), Labcorp
Classification: Likely benign. Last evaluated: 2018-03-29. Review status: criteria provided, single submitter. Criteria: Invitae Variant Classification Sherloc (09022015). Collection method: clinical testing. Allele origin: germline.

Illumina Laboratory Services, Illumina
Classification: Uncertain significance for Gaze palsy, familial horizontal, with progressive scoliosis 1. Last evaluated: 2018-01-13. Review status: criteria provided, single submitter. Criteria: ICSL Variant Classification Criteria 13 December 2019. Collection method: clinical testing. Allele origin: germline.

PreventionGenetics, part of Exact Sciences
Classification: Likely benign for ROBO3-related condition. Last evaluated: 2019-03-06. Review status: no assertion criteria provided. Collection method: clinical testing. Allele origin: germline. Not counted in ClinVar's aggregate classification.
Comment: This variant is classified as likely benign based on ACMG/AMP sequence variant interpretation guidelines (Richards et al. 2015 PMID: 25741868, with internal and published modifications).